The following is an entry in ClinVar:

ClinVar aggregate classification (germline): Uncertain significance (1 of 4 stars; one submission).

Conditions:
Hereditary cancer-predisposing syndrome. Also called: Tumor predisposition; Neoplastic Syndromes, Hereditary; Hereditary neoplastic syndrome; Hereditary Cancer Syndrome. Identifiers: Orphanet 140162, MedGen C0027672, MeSH D009386, MONDO:0015356.

Submission:

Ambry Genetics
Classification: Uncertain significance for Hereditary cancer-predisposing syndrome. Last evaluated: 2024-08-26. Review status: criteria provided, single submitter. Criteria: Ambry Variant Classification Scheme 2023. Collection method: clinical testing. Allele origin: germline.
Comment: The p.T190I variant (also known as c.569C>T), located in coding exon 4 of the SUFU gene, results from a C to T substitution at nucleotide position 569. The threonine at codon 190 is replaced by isoleucine, an amino acid with similar properties. This amino acid position is conserved. In addition, this alteration is predicted to be deleterious by in silico analysis. Based on the available evidence, the clinical significance of this variant remains unclear.

NM_016169.4(SUFU):c.569C>T (p.Thr190Ile)

Gene: SUFU (SUFU negative regulator of hedgehog signaling; plus strand). Cytogenetic location: 10q24.32.
Variant type: single nucleotide variant.
Coding change: c.569C>T on transcript NM_016169.4 (MANE Select); coding-DNA position 569, C replaced by T.
Protein change: p.Thr190Ile; replaces threonine 190 with isoleucine.
Molecular consequence: missense variant.
Genome position (GRCh38, 1-based): chr10:102,592,696, C>T. VCF-style: chr10-102592696-C-T. GRCh37 (hg19) VCF-style: chr10-104352453-C-T.
Other names: c.569C>T, p.Thr190Ile (NM_001178133.2); short protein forms T190I.
Identifiers: ClinVar variation 3451116 (VCV003451116.1).
Genomic context (GRCh38, chr10:102,592,696, plus strand): 5'-GTGAGTCAAGAATTCAGCACATGCTGCTGACAGAGGACCCACAGATGCAGCCCGTGCAGA[C>T]ACCCTTTGGGGTAGTTACCTTCCTCCAGGTGAGGCACAGGTTGGACGCTGGCTCAAGCCT-3'
Protein context (NP_057253.2, residues 180-200): TEDPQMQPVQ[Thr190Ile]PFGVVTFLQI